The following is an entry in ClinVar:

ClinVar aggregate classification (germline): Uncertain significance (1 of 4 stars; one submission).

Allele frequency attached by ClinVar (database versions not stated): gnomAD exomes below 0.00001; TOPMed 0.00002.
gnomAD v4.1: 3 of 1,613,000 alleles (0.00019%); highest among the groups gnomAD compares: South Asian, 0.0033%; no homozygotes.

Submission:

Women's Health and Genetics/Laboratory Corporation of America, LabCorp
Classification: Uncertain significance. Last evaluated: 2020-06-15. Review status: criteria provided, single submitter. Criteria: LabCorp Variant Classification Summary - May 2015. Collection method: clinical testing. Allele origin: germline.
Comment: Variant summary: TTN c.36610G>T (p.Asp12204Tyr) results in a non-conservative amino acid change in the encoded protein sequence. Four of five in-silico tools predict a damaging effect of the variant on protein function. The variant allele was found at a frequency of 4e-06 in 248416 control chromosomes. The available data on variant occurrences in the general population are insufficient to allow any conclusion about variant significance. To our knowledge, no occurrence of c.36610G>T in individuals affected with Cardiomyopathy and no experimental evidence demonstrating its impact on protein function have been reported. No clinical diagnostic laboratories have submitted clinical-significance assessments for this variant to ClinVar after 2014. Based on the evidence outlined above, the variant was classified as uncertain significance.

NM_001267550.2(TTN):c.44314G>T (p.Asp14772Tyr)

Gene: TTN (titin; minus strand). Cytogenetic location: 2q31.2.
Variant type: single nucleotide variant.
Coding change: c.44314G>T on transcript NM_001267550.2 (MANE Select); coding-DNA position 44314, G replaced by T.
Protein change: p.Asp14772Tyr; replaces aspartic acid 14772 with tyrosine.
Molecular consequence: missense variant.
Genome position (GRCh38, 1-based): chr2:178,629,411, C>A on the plus strand (G>T on the coding strand, the complement: TTN is on the minus strand). VCF-style: chr2-178629411-C-A. GRCh37 (hg19) VCF-style: chr2-179494138-C-A.
Other names: c.39391G>T, p.Asp13131Tyr (NM_001256850.1); c.17119G>T, p.Asp5707Tyr (NM_003319.4); c.36610G>T, p.Asp12204Tyr (NM_133378.4); c.17494G>T, p.Asp5832Tyr (NM_133432.3); c.17695G>T, p.Asp5899Tyr (NM_133437.4); short protein forms D14772Y, D5832Y, D13131Y, D5707Y, D5899Y, D12204Y.
Identifiers: ClinVar variation 933193 (VCV000933193.1), dbSNP rs1426162588, ClinGen allele CA349643526.